The following is an entry in ClinVar:

ClinVar aggregate classification (germline): Likely benign. Review status: criteria provided, multiple submitters, no conflicts (2 of 4 stars). 2 submissions from 2 submitters: Likely benign (2). Last evaluated 2025-10-07.

Conditions:
Long QT syndrome (LQTS). Identifiers: MedGen C0023976, MeSH D008133, MONDO:0002442. Disease mechanism: loss of function. Inheritance: Various modes of inheritance.

Allele frequency attached by ClinVar (database versions not stated): ExAC below 0.00001; TOPMed below 0.00001; gnomAD exomes 0.00001; gnomAD 0.00003.
gnomAD v4.1: 18 of 1,582,630 alleles (0.0011%); highest among the groups gnomAD compares: African/African-American, 0.0027%; no homozygotes.

Submissions (2):

Labcorp Genetics (formerly Invitae), Labcorp
Classification: Likely benign for Long QT syndrome. Last evaluated: 2025-10-07. Review status: criteria provided, single submitter. Criteria: Invitae Variant Classification Sherloc (09022015). Collection method: clinical testing. Allele origin: germline.

GeneDx
Classification: Likely benign. Last evaluated: 2016-03-29. Review status: criteria provided, single submitter. Criteria: GeneDx Variant Classification (06012015). Collection method: clinical testing. Allele origin: germline. Affected: yes.
Comment: This variant is considered likely benign or benign based on one or more of the following criteria: it is a conservative change, it occurs at a poorly conserved position in the protein, it is predicted to be benign by multiple in silico algorithms, and/or has population frequency not consistent with disease.

NM_000719.7(CACNA1C):c.1669+15C>T

Gene: CACNA1C (calcium voltage-gated channel subunit alpha1 C; plus strand). Cytogenetic location: 12p13.33.
Variant type: single nucleotide variant.
Coding change: c.1669+15C>T on transcript NM_000719.7 (MANE Select); 15 bases into the intron after coding-DNA position 1669, C replaced by T.
Molecular consequence: intron variant.
Genome position (GRCh38, 1-based): chr12:2,566,597, C>T. VCF-style: chr12-2566597-C-T. GRCh37 (hg19) VCF-style: chr12-2675763-C-T.
Other names: c.1669+15C>T (NM_001167624.3, NM_001167623.2, NM_001167625.2 and 18 more transcripts); c.1660+15C>T (NM_001129844.2).
Identifiers: ClinVar variation 385179 (VCV000385179.3), dbSNP rs774122237, ClinGen allele CA6388831.